The following is an entry in ClinVar:

ClinVar aggregate classification (germline): Uncertain significance (1 of 4 stars; one submission).

Submission:

GeneDx
Classification: Uncertain significance. Last evaluated: 2022-04-27. Review status: criteria provided, single submitter. Criteria: GeneDx Variant Classification Process June 2021. Collection method: clinical testing. Allele origin: germline. Affected: yes.
Comment: Not observed at significant frequency in large population cohorts (gnomAD); Canonical splice site variant in a gene or region of a gene for which loss of function is not a well-established mechanism of disease; Has not been previously published as pathogenic or benign to our knowledge

NM_004958.4(MTOR):c.2331+1G>A

Gene: MTOR (mechanistic target of rapamycin kinase; minus strand). Cytogenetic location: 1p36.22.
Variant type: single nucleotide variant.
Coding change: c.2331+1G>A on transcript NM_004958.4 (MANE Select); the canonical splice donor site of the intron after coding-DNA position 2331, G replaced by A.
Molecular consequence: splice donor variant.
Genome position (GRCh38, 1-based): chr1:11,234,142, C>T on the plus strand (G>A on the coding strand, the complement: MTOR is on the minus strand). VCF-style: chr1-11234142-C-T. GRCh37 (hg19) VCF-style: chr1-11294199-C-T.
Other names: c.1083+1G>A (NM_001386501.1); c.2331+1G>A (NM_001386500.1).
Identifiers: ClinVar variation 1712793 (VCV001712793.2), dbSNP rs2100881327, ClinGen allele CA338384516.